The following is an entry in ClinVar:

ClinVar aggregate classification (germline): Uncertain significance (1 of 4 stars; one submission).

Allele frequency attached by ClinVar (database versions not stated): gnomAD exomes below 0.00001; TOPMed below 0.00001.
gnomAD v4.1: 5 of 1,614,166 alleles (0.00031%); highest among the groups gnomAD compares: African/African-American, 0.0013%; no homozygotes.

Submission:

Labcorp Genetics (formerly Invitae), Labcorp
Classification: Uncertain significance. Last evaluated: 2023-11-06. Review status: criteria provided, single submitter. Criteria: Invitae Variant Classification Sherloc (09022015). Collection method: clinical testing. Allele origin: germline.
Comment: This sequence change replaces cysteine, which is neutral and slightly polar, with tyrosine, which is neutral and polar, at codon 674 of the TNFAIP3 protein (p.Cys674Tyr). This variant is not present in population databases (gnomAD no frequency). This variant has not been reported in the literature in individuals affected with TNFAIP3-related conditions. An algorithm developed to predict the effect of missense changes on protein structure and function (PolyPhen-2) suggests that this variant is likely to be disruptive. In summary, the available evidence is currently insufficient to determine the role of this variant in disease. Therefore, it has been classified as a Variant of Uncertain Significance.

NM_001270508.2(TNFAIP3):c.2021G>A (p.Cys674Tyr)

Gene: TNFAIP3 (TNF alpha induced protein 3; plus strand). Cytogenetic location: 6q23.3.
Variant type: single nucleotide variant.
Coding change: c.2021G>A on transcript NM_001270508.2 (MANE Select); coding-DNA position 2021, G replaced by A.
Protein change: p.Cys674Tyr; replaces cysteine 674 with tyrosine.
Molecular consequence: missense variant.
Genome position (GRCh38, 1-based): chr6:137,880,185, G>A. VCF-style: chr6-137880185-G-A. GRCh37 (hg19) VCF-style: chr6-138201322-G-A.
Other names: c.2021G>A, p.Cys674Tyr (NM_001270507.2, NM_006290.4); short protein forms C674Y.
Identifiers: ClinVar variation 2879030 (VCV002879030.3), dbSNP rs1776401028, ClinGen allele CA365795640.
Genomic context (GRCh38, chr6:137,880,185, plus strand): 5'-CCATTCCGTGCCTGGGGAGGGAATGCGGCACCCTTGGAAGCACCATGTTTGAAGGATACT[G>A]CCAGAAGTGTTTCATTGAAGCTCAGAATCAGAGATTTCATGAGGCCAAAAGGACAGAAGA-3'
Protein context (NP_001257437.1, residues 664-684): TLGSTMFEGY[Cys674Tyr]QKCFIEAQNQ